The following is an entry in ClinVar:

ClinVar aggregate classification (germline): Uncertain significance. Review status: criteria provided, multiple submitters, no conflicts (2 of 4 stars). 3 submissions from 3 submitters: Uncertain significance (3). Last evaluated 2026-04-29.

Allele frequency attached by ClinVar (database versions not stated): gnomAD 0.00001; ExAC 0.00002; TOPMed 0.00003; gnomAD exomes 0.00004; 1000 Genomes Project 30x 0.00016; 1000 Genomes Project 0.00020.
gnomAD v4.1: 13 of 1,613,252 alleles (0.00081%); highest among the groups gnomAD compares: Admixed American, 0.018%; no homozygotes.

Submissions (3):

Women's Health and Genetics/Laboratory Corporation of America, LabCorp
Classification: Uncertain significance. Last evaluated: 2026-04-29. Review status: criteria provided, single submitter. Criteria: LabCorp Variant Classification Summary - May 2015. Collection method: clinical testing. Allele origin: germline.
Comment: Variant summary: ADGRV1 c.12439G>A (p.Ala4147Thr) results in a non-conservative amino acid change in the encoded protein sequence. Algorithms developed to predict the effect of missense changes on protein structure and function are either unavailable or do not agree on the potential impact of this missense change. The variant allele was found at a frequency of 3.6e-05 in 248594 control chromosomes. The available data on variant occurrences in the general population are insufficient to allow any conclusion about variant significance. To our knowledge, no occurrence of c.12439G>A in individuals affected with ADGRV1-related conditions and no experimental evidence demonstrating its impact on protein function have been reported. ClinVar contains an entry for this variant (Variation ID: 1060679). Based on the evidence outlined above, the variant was classified as uncertain significance.

Labcorp Genetics (formerly Invitae), Labcorp
Classification: Uncertain significance. Last evaluated: 2022-03-28. Review status: criteria provided, single submitter. Criteria: Invitae Variant Classification Sherloc (09022015). Collection method: clinical testing. Allele origin: germline.
Comment: This sequence change replaces alanine, which is neutral and non-polar, with threonine, which is neutral and polar, at codon 4147 of the ADGRV1 protein (p.Ala4147Thr). This variant is present in population databases (rs201517918, gnomAD 0.02%). This variant has not been reported in the literature in individuals affected with ADGRV1-related conditions. ClinVar contains an entry for this variant (Variation ID: 1060679). Algorithms developed to predict the effect of missense changes on protein structure and function output the following: SIFT: "Tolerated"; PolyPhen-2: "Possibly Damaging"; Align-GVGD: "Class C0". The threonine amino acid residue is found in multiple mammalian species, which suggests that this missense change does not adversely affect protein function. In summary, the available evidence is currently insufficient to determine the role of this variant in disease. Therefore, it has been classified as a Variant of Uncertain Significance.

Blueprint Genetics
Classification: Uncertain significance. Last evaluated: 2019-11-08. Review status: criteria provided, single submitter. Criteria: ACMG Guidelines, 2015. Collection method: clinical testing. Allele origin: germline.

NM_032119.4(ADGRV1):c.12439G>A (p.Ala4147Thr)

Gene: ADGRV1 (adhesion G protein-coupled receptor V1; plus strand). Cytogenetic location: 5q14.3.
Variant type: single nucleotide variant.
Coding change: c.12439G>A on transcript NM_032119.4 (MANE Select); coding-DNA position 12439, G replaced by A.
Protein change: p.Ala4147Thr; replaces alanine 4147 with threonine.
Molecular consequence: missense variant. On other transcripts: non-coding transcript variant (1).
Genome position (GRCh38, 1-based): chr5:90,776,488, G>A. VCF-style: chr5-90776488-G-A. GRCh37 (hg19) VCF-style: chr5-90072305-G-A.
Other names: short protein forms A4147T.
Identifiers: ClinVar variation 1060679 (VCV001060679.8), dbSNP rs201517918, ClinGen allele CA3341245.
Genomic context (GRCh38, chr5:90,776,488, plus strand): 5'-GTGGTCTATATCATCTTGAATTTAGGTAGTGCATCAATAATTATTCGGGGTGATAAGCGA[G>A]CATCAGGAGAAGTTGGGATAGCTCCGTCATCTAGGCACATCCTCATTGGGGAACCCTCAG-3'
Protein context (NP_115495.3, residues 4137-4157): ASIIIRGDKR[Ala4147Thr]SGEVGIAPSS